The following is an entry in ClinVar:

NM_000053.4(ATP7B):c.4016C>T (p.Ala1339Val)

Gene: ATP7B (ATPase copper transporting beta; minus strand). Cytogenetic location: 13q14.3.
Variant type: single nucleotide variant.
Coding change: c.4016C>T on transcript NM_000053.4 (MANE Select); coding-DNA position 4016, C replaced by T.
Protein change: p.Ala1339Val; replaces alanine 1339 with valine.
Molecular consequence: missense variant.
Genome position (GRCh38, 1-based): chr13:51,937,281, G>A on the plus strand (C>T on the coding strand, the complement: ATP7B is on the minus strand). VCF-style: chr13-51937281-G-A. GRCh37 (hg19) VCF-style: chr13-52511417-G-A.
Other names: c.3530C>T, p.Ala1177Val (NM_001406541.1, NM_001406542.1); c.3524C>T, p.Ala1175Val (NM_001406543.1); c.3434C>T, p.Ala1145Val (NM_001406544.1); c.3368C>T, p.Ala1123Val (NM_001406545.1); c.3335C>T, p.Ala1112Val (NM_001406546.1); c.3173C>T, p.Ala1058Val (NM_001406547.1); c.2726C>T, p.Ala909Val (NM_001406548.1); c.3395C>T, p.Ala1132Val (NM_001005918.3); and 22 more; short protein forms A1058V, A1112V, A1123V, A1132V, A1145V, A1175V, A1177V, A1190V.
Identifiers: ClinVar variation 3073718 (VCV003073718.17), dbSNP rs2547563737, ClinGen allele CA388020763.

ClinVar aggregate classification (germline): Conflicting classifications of pathogenicity. Review status: criteria provided, conflicting classifications (1 of 4 stars). 4 submissions from 4 submitters: Likely pathogenic (1); Uncertain significance (3). Last evaluated 2026-07-02.

Conditions:
Inborn genetic diseases. Identifiers: MedGen C0950123, MeSH D030342.
Wilson disease (WND). Also called: Wilson's disease. Identifiers: Orphanet 905, MedGen C0019202, MONDO:0010200, OMIM 277900. Disease mechanism: loss of function.

Submissions (4):

Ambry Genetics
Classification: Uncertain significance for Inborn genetic diseases. Last evaluated: 2026-07-02. Review status: criteria provided, single submitter. Criteria: Ambry Variant Classification Scheme 2023. Collection method: clinical testing. Allele origin: germline.
Comment: The p.A1339V variant (also known as c.4016C>T), located in coding exon 19 of the ATP7B gene, results from a C to T substitution at nucleotide position 4016. The alanine at codon 1339 is replaced by valine, an amino acid with similar properties. This amino acid position is conserved. In addition, this alteration is predicted to be deleterious by in silico analysis. Based on the available evidence, the clinical significance of this variant remains unclear.

CeGaT Center for Human Genetics Tuebingen
Classification: Likely pathogenic. Last evaluated: 2025-12-01. Review status: criteria provided, single submitter. Criteria: CeGaT Center For Human Genetics Tuebingen Variant Classification Criteria Version 2. Collection method: clinical testing. Allele origin: germline. Affected: yes. Observed: 2 variant alleles.
Comment: ATP7B: PM1, PM2, PM3:Supporting, PM5:Supporting, PP4

Lildballe Lab, Aarhus University Hospital
Classification: Uncertain significance for Wilson disease. Last evaluated: 2024-08-29. Review status: criteria provided, single submitter. Criteria: ACMG Guidelines, 2015. Collection method: clinical testing. Allele origin: germline. Affected: yes.
Comment: PM1, PP3, PM2

All of Us Research Program, National Institutes of Health
Classification: Uncertain significance for Wilson disease. Last evaluated: 2023-10-06. Review status: criteria provided, single submitter. Criteria: ACMG Guidelines, 2015. Collection method: clinical testing. Allele origin: germline. Inheritance: Autosomal recessive inheritance. Observed: 1 variant allele, 1 heterozygote.
Comment: This missense variant replaces alanine with valine at codon 1339 of the ATP7B protein. Computational prediction suggests that this variant may have deleterious impact on protein structure and function (internally defined REVEL score threshold >= 0.7, PMID: 27666373). To our knowledge, functional studies have not been reported for this variant. This variant has not been reported in individuals affected with ATP7B-related disorders in the literature. This variant has not been identified in the general population by the Genome Aggregation Database (gnomAD). The available evidence is insufficient to determine the role of this variant in disease conclusively. Therefore, this variant is classified as a Variant of Uncertain Significance.

This study involves interpretation of variants in research participants for the purpose of population health screening. Participant phenotype was not available at the time of variant classification. Additional details can be found in publication PMID: 35346344, PMCID: PMC8962531